The following is an entry in ClinVar:

ClinVar aggregate classification (germline): Uncertain significance (1 of 4 stars; one submission).

gnomAD v4.1: 6 of 1,609,646 alleles (0.00037%); highest among the groups gnomAD compares: South Asian, 0.0022%; no homozygotes.

Submission:

Labcorp Genetics (formerly Invitae), Labcorp
Classification: Uncertain significance. Last evaluated: 2025-07-23. Review status: criteria provided, single submitter. Criteria: Invitae Variant Classification Sherloc (09022015). Collection method: clinical testing. Allele origin: germline.
Comment: This sequence change replaces serine, which is neutral and polar, with phenylalanine, which is neutral and non-polar, at codon 283 of the TBXA2R protein (p.Ser283Phe). The frequency data for this variant in the population databases is considered unreliable, as metrics indicate poor data quality at this position in the gnomAD database. This variant has not been reported in the literature in individuals affected with TBXA2R-related conditions. An algorithm developed to predict the effect of missense changes on protein structure and function (PolyPhen-2) suggests that this variant is likely to be tolerated. In summary, the available evidence is currently insufficient to determine the role of this variant in disease. Therefore, it has been classified as a Variant of Uncertain Significance.

NM_001060.6(TBXA2R):c.848C>T (p.Ser283Phe)

Gene: TBXA2R (thromboxane A2 receptor; minus strand). Cytogenetic location: 19p13.3.
Variant type: single nucleotide variant.
Coding change: c.848C>T on transcript NM_001060.6 (MANE Select); coding-DNA position 848, C replaced by T.
Protein change: p.Ser283Phe; replaces serine 283 with phenylalanine.
Molecular consequence: missense variant.
Genome position (GRCh38, 1-based): chr19:3,595,872, G>A on the plus strand (C>T on the coding strand, the complement: TBXA2R is on the minus strand). VCF-style: chr19-3595872-G-A. GRCh37 (hg19) VCF-style: chr19-3595870-G-A.
Other names: c.848C>T, p.Ser283Phe (NM_201636.3); short protein forms S283F.
Identifiers: ClinVar variation 4701719 (VCV004701719.1).